The following is an entry in ClinVar:

NM_032776.3(JMJD1C):c.2749A>G (p.Ile917Val)

Gene: JMJD1C (jumonji domain containing 1C; minus strand). Cytogenetic location: 10q21.3.
Variant type: single nucleotide variant.
Coding change: c.2749A>G on transcript NM_032776.3 (MANE Select); coding-DNA position 2749, A replaced by G.
Protein change: p.Ile917Val; replaces isoleucine 917 with valine.
Molecular consequence: missense variant. On other transcripts: non-coding transcript variant (1).
Genome position (GRCh38, 1-based): chr10:63,209,181, T>C on the plus strand (A>G on the coding strand, the complement: JMJD1C is on the minus strand). VCF-style: chr10-63209181-T-C. GRCh37 (hg19) VCF-style: chr10-64968941-T-C.
Other names: c.2203A>G, p.Ile735Val (NM_001282948.2, NM_001318154.2); c.1885A>G, p.Ile629Val (NM_001318153.2); c.2635A>G, p.Ile879Val (NM_001322252.2); c.2092A>G, p.Ile698Val (NM_001322254.2, NM_001322258.2); c.2749A>G (NM_032776.1); short protein forms I629V, I879V, I917V, I698V, I735V.
Identifiers: ClinVar variation 1509700 (VCV001509700.7), dbSNP rs748591584, ClinGen allele CA5518565.

ClinVar aggregate classification (germline): Uncertain significance. Review status: criteria provided, multiple submitters, no conflicts (2 of 4 stars). 2 submissions from 2 submitters: Uncertain significance (2). Last evaluated 2025-09-02.

Conditions:
Early Myoclonic Encephalopathy. Identifiers: MedGen C0270855.

Allele frequency attached by ClinVar (database versions not stated): gnomAD exomes below 0.00001; ExAC 0.00001.
gnomAD v4.1: 2 of 1,613,856 alleles (0.00012%); highest among the groups gnomAD compares: African/African-American, 0.0013%; no homozygotes.

Submissions (2):

Labcorp Genetics (formerly Invitae), Labcorp
Classification: Uncertain significance for Early Myoclonic Encephalopathy. Last evaluated: 2025-09-02. Review status: criteria provided, single submitter. Criteria: Invitae Variant Classification Sherloc (09022015). Collection method: clinical testing. Allele origin: germline.
Comment: This sequence change replaces isoleucine, which is neutral and non-polar, with valine, which is neutral and non-polar, at codon 917 of the JMJD1C protein (p.Ile917Val). This variant is present in population databases (rs748591584, gnomAD 0.003%). This variant has not been reported in the literature in individuals affected with JMJD1C-related conditions. ClinVar contains an entry for this variant (Variation ID: 1509700). Invitae Evidence Modeling of protein sequence and biophysical properties (such as structural, functional, and spatial information, amino acid conservation, physicochemical variation, residue mobility, and thermodynamic stability) indicates that this missense variant is not expected to disrupt JMJD1C protein function with a negative predictive value of 80%. In summary, the available evidence is currently insufficient to determine the role of this variant in disease. Therefore, it has been classified as a Variant of Uncertain Significance.

Ambry Genetics
Classification: Uncertain significance. Last evaluated: 2025-06-03. Review status: criteria provided, single submitter. Criteria: Ambry Variant Classification Scheme 2023. Collection method: clinical testing. Allele origin: germline.